The following is an entry in ClinVar:

NM_005188.4(CBL):c.1181A>G (p.Glu394Gly)

Gene: CBL (Cbl proto-oncogene; plus strand). Cytogenetic location: 11q23.3.
Variant type: single nucleotide variant.
Coding change: c.1181A>G on transcript NM_005188.4 (MANE Select); coding-DNA position 1181, A replaced by G.
Protein change: p.Glu394Gly; replaces glutamic acid 394 with glycine.
Molecular consequence: missense variant.
Genome position (GRCh38, 1-based): chr11:119,278,251, A>G. VCF-style: chr11-119278251-A-G. GRCh37 (hg19) VCF-style: chr11-119148961-A-G.
Other names: short protein forms E394G.
Identifiers: ClinVar variation 4868279 (VCV004868279.1).

ClinVar aggregate classification (germline): Uncertain significance (1 of 4 stars; one submission).

Conditions:
Cardiovascular phenotype. Identifiers: MedGen CN230736.

Submission:

Ambry Genetics
Classification: Uncertain significance for Cardiovascular phenotype. Last evaluated: 2026-06-08. Review status: criteria provided, single submitter. Criteria: Ambry Variant Classification Scheme 2023. Collection method: clinical testing. Allele origin: germline.
Comment: The p.E394G variant (also known as c.1181A>G), located in coding exon 8 of the CBL gene, results from an A to G substitution at nucleotide position 1181. The glutamic acid at codon 394 is replaced by glycine, an amino acid with similar properties. This amino acid position is conserved. In addition, this alteration is predicted to be deleterious by in silico analysis. Based on the available evidence, the clinical significance of this variant remains unclear.